The following is an entry in ClinVar:

ClinVar aggregate classification (germline): Uncertain significance (1 of 4 stars; one submission).

Conditions:
Combined immunodeficiency due to LRBA deficiency. Also called: Common variable immunodeficiency 8, with autoimmunity. Identifiers: Orphanet 445018, MedGen C3553512, MONDO:0013863, OMIM 614700.

Submission:

Labcorp Genetics (formerly Invitae), Labcorp
Classification: Uncertain significance for Combined immunodeficiency due to LRBA deficiency. Last evaluated: 2022-02-03. Review status: criteria provided, single submitter. Criteria: Invitae Variant Classification Sherloc (09022015). Collection method: clinical testing. Allele origin: germline.
Comment: Information on the frequency of this variant in the gnomAD database is not available, as this variant may be reported differently in the database. This sequence change replaces valine, which is neutral and non-polar, with methionine, which is neutral and non-polar, at codon 1851 of the LRBA protein (p.Val1851Met). This variant has not been reported in the literature in individuals affected with LRBA-related conditions. In summary, the available evidence is currently insufficient to determine the role of this variant in disease. Therefore, it has been classified as a Variant of Uncertain Significance. Experimental studies and prediction algorithms are not available or were not evaluated, and the functional significance of this variant is currently unknown.

NM_001364905.1(LRBA):c.5550_5551inv (p.Val1851Met)

Gene: LRBA (LPS responsive beige-like anchor protein; minus strand). Cytogenetic location: 4q31.3.
Variant type: Inversion.
Coding change: c.5550_5551inv on transcript NM_001364905.1 (MANE Select).
Protein change: p.Val1851Met; replaces valine 1851 with methionine.
Molecular consequence: missense variant.
Genome position: GRCh38 VCF-style: chr4-150798110-CA-TG. GRCh37 (hg19) VCF-style: chr4-151719262-CA-TG.
Other names: c.5550_5551invTG, p.Val1851Met (NM_001199282.3, NM_006726.5); c.5550_5551inv, p.Val1851Met (NM_001367550.1); short protein forms V1851M.
Identifiers: ClinVar variation 1951970 (VCV001951970.5), ClinGen allele CA2580071590.